The following is an entry in ClinVar:

NM_138927.4(SON):c.245-485_273delinsGTTG

Gene: SON (SON DNA and RNA binding protein; plus strand). Cytogenetic location: 21q22.11.
Variant type: Indel.
Coding change: c.245-485_273delinsGTTG on transcript NM_138927.4 (MANE Select); 485 bases into the intron before coding-DNA position 245 through coding-DNA position 273, the reference bases replaced by GTTG.
Molecular consequence: splice acceptor variant. On other transcripts: intron variant (1).
Genome position (GRCh38, 1-based): chr21:33,548,991-33,549,504, 514 bases replaced. GRCh37 (hg19): chr21:34,921,297-34,921,810.
Other names: c.245-485_273delinsGTTG (NM_001291411.2, NM_032195.3); c.244+2612_244+3125delinsGTTG (NM_001291412.3).
Identifiers: ClinVar variation 996849 (VCV000996849.1), dbSNP rs2085688464, ClinGen allele CA2386729310.

ClinVar aggregate classification (germline): Likely pathogenic (1 of 4 stars; one submission).

Conditions:
ZTTK syndrome (ZTTKS). Also called: Zhu-Tokita-Takenouchi-Kim Syndrome; ZTTK MULTIPLE CONGENITAL ANOMALIES-MENTAL RETARDATION SYNDROME. Identifiers: Orphanet 500150, MedGen C4310696, MONDO:0014936, OMIM 617140.

Submission:

New York Genome Center
Classification: Likely pathogenic for ZTTK syndrome. Last evaluated: 2020-07-09. Review status: criteria provided, single submitter. Criteria: NYGC Assertion Criteria 2020. Collection method: clinical testing. Allele origin: de novo. Inheritance: Autosomal dominant inheritance. Observed: 1 heterozygote. Study: CSER-NYCKidSeq.
Comment: Exon 3 is the largest coding exon in the SON transcript encoding1972 out of 2426 total amino acids (81%of the protein). The deleted region is present in all the SON Refseq coding transcripts. The variant is absent from gnomAD, suggesting it is not a common benign variant in the populations represented in these databases. This variant is not identified in ClinVar, and to our current knowledge has not been identified in any affected individuals in the literature. Given the predicted deleterious nature of this deletion insertion variant (splice junction loss) and its absence in population databases, the c.245-485_273delinsGTTG identified in the SON gene is reported here as Likely Pathogenic.